The following is an entry in ClinVar:

NM_005502.4(ABCA1):c.5621T>G (p.Phe1874Cys)

Gene: ABCA1 (ATP binding cassette subfamily A member 1; minus strand). Cytogenetic location: 9q31.1.
Variant type: single nucleotide variant.
Coding change: c.5621T>G on transcript NM_005502.4 (MANE Select); coding-DNA position 5621, T replaced by G.
Protein change: p.Phe1874Cys; replaces phenylalanine 1874 with cysteine.
Molecular consequence: missense variant.
Genome position (GRCh38, 1-based): chr9:104,793,186, A>C on the plus strand (T>G on the coding strand, the complement: ABCA1 is on the minus strand). VCF-style: chr9-104793186-A-C. GRCh37 (hg19) VCF-style: chr9-107555467-A-C.
Other names: short protein forms F1874C.
Identifiers: ClinVar variation 633024 (VCV000633024.2), dbSNP rs754410874, ClinGen allele CA5167793.

ClinVar aggregate classification (germline): Uncertain significance. Review status: criteria provided, multiple submitters, no conflicts (2 of 4 stars). 2 submissions from 2 submitters: Uncertain significance (2). Last evaluated 2020-02-21.

Conditions:
Hypertrophic cardiomyopathy. Also called: HYPERTROPHIC MYOCARDIOPATHY. Identifiers: Orphanet 217569, MedGen C0007194, MeSH D002312, MONDO:0005045, HP:0001639.

Allele frequency attached by ClinVar (database versions not stated): gnomAD exomes below 0.00001 and 0.00004; gnomAD 0.00001; TOPMed 0.00001; ExAC 0.00002.
gnomAD v4.1: 56 of 1,613,968 alleles (0.0035%); highest among the groups gnomAD compares: Non-Finnish European, 0.0047%; no homozygotes.

Submissions (2):

Cambridge Genomics Laboratory, East Genomic Laboratory Hub, NHS Genomic Medicine Service
Classification: Uncertain significance for Hypertrophic cardiomyopathy. Last evaluated: 2020-02-21. Review status: criteria provided, single submitter. Criteria: ACGS Best Practice Guidelines for Variant Classification in Rare Disease 2020. Collection method: clinical testing. Allele origin: germline. Affected: yes. Observed: 1 variant allele.

Women's Health and Genetics/Laboratory Corporation of America, LabCorp
Classification: Uncertain significance. Last evaluated: 2018-08-20. Review status: criteria provided, single submitter. Criteria: LabCorp Variant Classification Summary - May 2015. Collection method: clinical testing. Allele origin: germline.
Comment: Variant summary: ABCA1 c.5621T>G (p.Phe1874Cys) results in a non-conservative amino acid change in the encoded protein sequence. Four of five in-silico tools predict a damaging effect of the variant on protein function. The variant allele was found at a frequency of 8.1e-06 in 245958 control chromosomes. The available data on variant occurrences in the general population are insufficient to allow any conclusion about variant significance. To our knowledge, no occurrence of c.5621T>G in individuals affected with Early Onset Coronary Artery Disease and no experimental evidence demonstrating its impact on protein function have been reported. No clinical diagnostic laboratories have submitted clinical-significance assessments for this variant to ClinVar after 2014. Based on the evidence outlined above, the variant was classified as uncertain significance.